The following is an entry in ClinVar:

NM_004304.5(ALK):c.4210C>T (p.Leu1404Phe)

Gene: ALK (ALK receptor tyrosine kinase; minus strand). Cytogenetic location: 2p23.2.
Variant type: single nucleotide variant.
Coding change: c.4210C>T on transcript NM_004304.5 (MANE Select); coding-DNA position 4210, C replaced by T.
Protein change: p.Leu1404Phe; replaces leucine 1404 with phenylalanine.
Molecular consequence: missense variant.
Genome position (GRCh38, 1-based): chr2:29,193,877, G>A on the plus strand (C>T on the coding strand, the complement: ALK is on the minus strand). VCF-style: chr2-29193877-G-A. GRCh37 (hg19) VCF-style: chr2-29416743-G-A.
Other names: c.1006C>T, p.Leu336Phe (NM_001353765.2); short protein forms L1404F, L336F.
Identifiers: ClinVar variation 574752 (VCV000574752.11), dbSNP rs757615099, ClinGen allele CA1593622.
Genomic context (GRCh38, chr2:29,193,877, plus strand): 5'-GAGGAGGAACCCCCTCAGGGTCCTTGGGCCTCACAGGCACTTTCTCTTCCTCTTCCACAA[G>A]TGGACCATATTCTATCGGCAAAGCGGTGTTGATTACATCCGGGTCCTGCCGTAGGGGAAA-3'
Protein context (NP_004295.2, residues 1394-1414): NTALPIEYGP[Leu1404Phe]VEEEEKVPVR

ClinVar aggregate classification (germline): Uncertain significance. Review status: criteria provided, multiple submitters, no conflicts (2 of 4 stars). 3 submissions from 3 submitters: Uncertain significance (3). Last evaluated 2025-04-24.

Conditions:
Neuroblastoma, susceptibility to, 3. Also called: ALK-Related Neuroblastic Tumor Susceptibility. Identifiers: Orphanet 635, MedGen C2751681, MONDO:0013083, OMIM 613014.
Hereditary cancer-predisposing syndrome. Also called: Hereditary neoplastic syndrome; Neoplastic Syndromes, Hereditary; Hereditary Cancer Syndrome; Tumor predisposition. Identifiers: Orphanet 140162, MedGen C0027672, MeSH D009386, MONDO:0015356.

Allele frequency attached by ClinVar (database versions not stated): TOPMed 0.00001.
gnomAD v4.1: 7 of 1,614,120 alleles (0.00043%); highest among the groups gnomAD compares: Non-Finnish European, 0.00059%; no homozygotes.

Submissions (3):

Ambry Genetics
Classification: Uncertain significance for Hereditary cancer-predisposing syndrome. Last evaluated: 2025-04-24. Review status: criteria provided, single submitter. Criteria: Ambry Variant Classification Scheme 2023. Collection method: clinical testing. Allele origin: germline.

Labcorp Genetics (formerly Invitae), Labcorp
Classification: Uncertain significance for Neuroblastoma, susceptibility to, 3. Last evaluated: 2024-04-09. Review status: criteria provided, single submitter. Criteria: Invitae Variant Classification Sherloc (09022015). Collection method: clinical testing. Allele origin: germline.
Comment: This sequence change replaces leucine, which is neutral and non-polar, with phenylalanine, which is neutral and non-polar, at codon 1404 of the ALK protein (p.Leu1404Phe). This variant is present in population databases (rs757615099, gnomAD 0.002%). This variant has not been reported in the literature in individuals affected with ALK-related conditions. ClinVar contains an entry for this variant (Variation ID: 574752). An algorithm developed to predict the effect of missense changes on protein structure and function (PolyPhen-2) suggests that this variant is likely to be tolerated. In summary, the available evidence is currently insufficient to determine the role of this variant in disease. Therefore, it has been classified as a Variant of Uncertain Significance.

GeneDx
Classification: Uncertain significance. Last evaluated: 2023-05-09. Review status: criteria provided, single submitter. Criteria: GeneDx Variant Classification Process June 2021. Collection method: clinical testing. Allele origin: germline. Affected: yes.
Comment: Not observed at significant frequency in large population cohorts (gnomAD); In silico analysis supports that this missense variant does not alter protein structure/function; Has not been previously published as pathogenic or benign to our knowledge; This variant is associated with the following publications: (PMID: 30216592)